The following is an entry in ClinVar:

ClinVar aggregate classification (germline): Pathogenic. Review status: reviewed by expert panel (3 of 4 stars). 9 submissions from 9 submitters: Pathogenic (1). 8 of the submissions do not count toward it. Last evaluated 2017-03-17.

Conditions:
CFTR-related disorder (CFTR-RD). Also called: CFTR-related disorders; CFTR-related condition. Identifiers: MedGen C5924204, MONDO:7770004.
Cystic fibrosis (CF). Also called: MUCOVISCIDOSIS. Identifiers: Orphanet 586, MedGen C0010674, MONDO:0009061, OMIM 219700. Disease mechanism: loss of function.
Congenital bilateral aplasia of vas deferens from CFTR mutation (CBAVD). Identifiers: Orphanet 48, MedGen C0403814, MONDO:0010178, OMIM 277180. Disease mechanism: loss of function.
Bronchiectasis with or without elevated sweat chloride 1 (BESC1). Also called: Cystic Fibrosis-Like Syndrome. Identifiers: Orphanet 60033, MedGen C2749757, MONDO:0008887, OMIM 211400.
Hereditary pancreatitis (PCTT). Also called: PRSS1-Related Hereditary Pancreatitis; Hereditary chronic pancreatitis. Identifiers: Orphanet 676, MedGen C0238339, MONDO:0008185, OMIM 167800.

Submissions (9):

CFTR2
Classification: Pathogenic for Cystic fibrosis. Last evaluated: 2017-03-17. Review status: reviewed by expert panel. Criteria: Sosnay PR et al. (Nat Genet 2013). Collection method: research. Allele origin: germline. Affected: yes. Study: CFTR2.

Natera, Inc.
Classification: Pathogenic for CFTR-related disorders. Last evaluated: 2025-11-26. Review status: criteria provided, single submitter. Criteria: Natera Variant Classification Schema (03/2026). Collection method: clinical testing. Allele origin: germline. Not counted in ClinVar's aggregate classification.
Comment: The c.4077_4080delTGTTinsAA variant in CFTR is a frameshift variant predicted to shift the reading frame beginning at codon 1360 and leads to a stop codon 3 codons downstream. This variant is expected to result in nonsense mediated decay, truncation, or a dysfunctional protein product. This variant is rare in the general population with a frequency below the threshold expected for the associated phenotype(s). This variant has been observed in one or more individuals affected with the associated recessive disease, as either homozygous or compound heterozygous with a second variant (PMID: 33495079). Given the available evidence, this variant is classified as Pathogenic.

Fulgent Genetics
Classification: Pathogenic for Hereditary pancreatitis; Bronchiectasis with or without elevated sweat chloride 1; Cystic fibrosis; Congenital bilateral aplasia of vas deferens from CFTR mutation. Last evaluated: 2024-05-30. Review status: criteria provided, single submitter. Criteria: ACMG Guidelines, 2015. Collection method: clinical testing. Allele origin: germline. Not counted in ClinVar's aggregate classification.

Ambry Genetics
Classification: Pathogenic for Cystic fibrosis. Last evaluated: 2023-08-09. Review status: criteria provided, single submitter. Criteria: Ambry Variant Classification Scheme 2023. Collection method: clinical testing. Allele origin: germline. Not counted in ClinVar's aggregate classification.
Comment: The c.4077_4080delTGTTinsAA pathogenic mutation, located in coding exon 25 of the CFTR gene, results from the deletion of 4 nucleotides and insertion of two nucleotides causing a translational frameshift with a predicted alternate stop codon (p.V1360Tfs*3). This mutation is associated with elevated sweat chloride levels, decreased lung function, and pancreatic insufficiency (Sosnay PR et al. Nat. Genet., 2013 Oct;45:1160-7). In addition to the clinical data presented in the literature, this alteration is expected to result in loss of function by premature protein truncation or nonsense-mediated mRNA decay. As such, this alteration is interpreted as a disease-causing mutation.

PreventionGenetics, part of Exact Sciences
Classification: Pathogenic for CFTR-related condition. Last evaluated: 2022-10-05. Review status: criteria provided, single submitter. Criteria: ACMG Guidelines, 2015. Collection method: clinical testing. Allele origin: germline. Not counted in ClinVar's aggregate classification.
Comment: The CFTR c.4077_4080delinsAA variant is predicted to result in a frameshift and premature protein termination (p.Val1360Thrfs*3). This variant has been reported in individuals with cystic fibrosis and individuals undergoing carrier screening for cystic fibrosis (Table S2, Sosnay et al. 2013. PubMed ID: 23974870; Table S3, Beauchamp. 2019. PubMed ID: 31036917). (Table S2, Sosnay et al. 2013. PubMed ID: 23974870; Table S3, Beauchamp. 2019. PubMed ID: 31036917). This variant has not been reported in a large population database, indicating this variant is rare. Frameshift variants in CFTR are expected to be pathogenic. This variant is interpreted as pathogenic.

Johns Hopkins Genomics, Johns Hopkins University
Classification: Pathogenic for Cystic fibrosis. Last evaluated: 2022-07-23. Review status: criteria provided, single submitter. Criteria: ACMG Guidelines, 2015. Collection method: clinical testing. Allele origin: germline. Not counted in ClinVar's aggregate classification.
Comment: Disease-causing CFTR variant. See CFTR2 for phenotype information.

Women's Health and Genetics/Laboratory Corporation of America, LabCorp
Classification: Pathogenic for Cystic fibrosis. Last evaluated: 2020-08-31. Review status: criteria provided, single submitter. Criteria: LabCorp Variant Classification Summary - May 2015. Collection method: clinical testing. Allele origin: germline. Not counted in ClinVar's aggregate classification.
Comment: Variant summary: CFTR c.4077_4080delinsAA (p.Val1360ThrfsX3) results in a premature termination codon, predicted to cause a truncation of the encoded protein or absence of the protein due to nonsense mediated decay, which are commonly known mechanisms for disease. Truncations downstream of this position have been classified as pathogenic by our laboratory. The variant was absent in 251266 control chromosomes. c.4077_4080delinsAA has been reported in the literature in multiple individuals affected with Cystic Fibrosis (examples- Sosnay_2013). These data indicate that the variant is very likely to be associated with disease. To our knowledge, no experimental evidence demonstrating an impact on protein function has been reported. One expert panel has submitted clinical-significance assessments for this variant to ClinVar after 2014 without evidence for independent evaluation and cited the variant as pathogenic. Based on the evidence outlined above, the variant was classified as pathogenic.

Baylor Genetics
Classification: Pathogenic for Congenital bilateral aplasia of vas deferens from CFTR mutation; Cystic fibrosis. Review status: criteria provided, single submitter. Criteria: ACMG Guidelines, 2015. Collection method: clinical testing. Allele origin: germline. Not counted in ClinVar's aggregate classification.

Counsyl
Classification: Likely pathogenic for Cystic fibrosis. Last evaluated: 2014-01-02. Review status: no assertion criteria provided. Collection method: clinical testing. Allele origin: unknown. Not counted in ClinVar's aggregate classification.

Literature cited by the submitters: PubMed 33495079 (cited by Natera, Inc.); PubMed 23974870 (cited by 3 submitters).

NM_000492.4(CFTR):c.4077_4080delinsAA (p.Val1360fs)

Gene: CFTR (CF transmembrane conductance regulator; plus strand). Cytogenetic location: 7q31.2.
Variant type: Indel.
Coding change: c.4077_4080delinsAA on transcript NM_000492.4 (MANE Select); coding-DNA positions 4077 to 4080, TGTT replaced by AA.
Protein change: p.Val1360fs; shifts the reading frame from valine 1360.
Molecular consequence: frameshift variant.
Genome position (GRCh38, 1-based): chr7:117,664,801-117,664,804, TGTT replaced by AA. VCF-style: chr7-117664801-TGTT-AA. GRCh37 (hg19) VCF-style: chr7-117304855-TGTT-AA.
Other names: 4209TGTT->AA; c.4077_4080delTGTTinsAA (NM_000492.3); short protein forms V1360fs.
Identifiers: ClinVar variation 53883 (VCV000053883.12), dbSNP rs397508668, ClinGen allele CA328121.